The following is an entry in ClinVar:

ClinVar aggregate classification (germline): Uncertain significance (1 of 4 stars; one submission).

Submission:

Women's Health and Genetics/Laboratory Corporation of America, LabCorp
Classification: Uncertain significance. Last evaluated: 2023-01-27. Review status: criteria provided, single submitter. Criteria: LabCorp Variant Classification Summary - May 2015. Collection method: clinical testing. Allele origin: germline.
Comment: Variant summary: The variant identified by MLPA or other technology involves the duplication of exons 12-21 in the AARS gene. A presumed nomenclature of c.(1492+1_1493-1)_(*328_?)dup has been designated for the purposes of this classification. It has been assumed that this is a tandem duplication in direct orientation (Richardson_GIM_2018, Newman_AJHG_2015). Although exact breakpoints of this CNV are not known, it is expected to result in a large duplication change in the AARS gene, involving the last exon. A variant allele including duplication of AARS exons 12-21 was found at a frequency of 0.00028 in 21694 control chromosomes (gnomAD, Structural Variants dataset). The available data on variant occurrences in the general population are insufficient to allow any conclusion about variant significance. To our knowledge, no occurrence of c.(1492+1_1493-1)_(*328_?)dup in individuals affected with AARS-Related Disorders and no experimental evidence demonstrating its impact on protein function have been reported. A ClinVar submitter (evaluation after 2014) cites the variant as uncertain significance. Based on the evidence outlined above, the variant was classified as uncertain significance.

NC_000016.9:g.(?_70286296)_(70296428_70298860)dup

Gene: AARS1 (alanyl-tRNA synthetase 1; minus strand). Cytogenetic location: 16q22.1.
Variant type: Duplication.
Identifiers: ClinVar variation 2429184 (VCV002429184.3).